The following is an entry in ClinVar:

NM_004247.4(EFTUD2):c.576C>T (p.Asp192=)

Gene: EFTUD2 (elongation factor Tu GTP binding domain containing 2; minus strand). Cytogenetic location: 17q21.31.
Variant type: single nucleotide variant.
Coding change: c.576C>T on transcript NM_004247.4 (MANE Select); coding-DNA position 576, C replaced by T.
Protein change: p.Asp192=; no amino-acid change (aspartic acid 192 retained).
Molecular consequence: synonymous variant.
Genome position (GRCh38, 1-based): chr17:44,880,597, G>A on the plus strand (C>T on the coding strand, the complement: EFTUD2 is on the minus strand). VCF-style: chr17-44880597-G-A. GRCh37 (hg19) VCF-style: chr17-42957965-G-A.
Other names: c.471C>T, p.Asp157= (NM_001142605.2); c.576C>T, p.Asp192= (NM_001258353.2); c.546C>T, p.Asp182= (NM_001258354.2).
Identifiers: ClinVar variation 1302867 (VCV001302867.14), dbSNP rs542718177, ClinGen allele CA8608041.

ClinVar aggregate classification (germline): Benign/Likely benign. Review status: criteria provided, multiple submitters, no conflicts (2 of 4 stars). 4 submissions from 4 submitters: Benign (2); Likely benign (2). Last evaluated 2025-12-01.

Allele frequency attached by ClinVar (database versions not stated): TOPMed below 0.00001; gnomAD 0.00003; gnomAD exomes 0.00006 and 0.00013; ExAC 0.00012; 1000 Genomes Project 30x 0.00016; 1000 Genomes Project 0.00020.
gnomAD v4.1: 97 of 1,613,804 alleles (0.006%); highest among the groups gnomAD compares: Middle Eastern, 0.2%; 2 homozygotes.

Submissions (4):

CeGaT Center for Human Genetics Tuebingen
Classification: Likely benign. Last evaluated: 2025-12-01. Review status: criteria provided, single submitter. Criteria: CeGaT Center For Human Genetics Tuebingen Variant Classification Criteria Version 2. Collection method: clinical testing. Allele origin: germline. Affected: yes. Observed: 2 variant alleles.
Comment: EFTUD2: BP4, BP7

Labcorp Genetics (formerly Invitae), Labcorp
Classification: Benign. Last evaluated: 2025-03-07. Review status: criteria provided, single submitter. Criteria: Invitae Variant Classification Sherloc (09022015). Collection method: clinical testing. Allele origin: germline.

Blueprint Genetics
Classification: Likely benign. Last evaluated: 2024-04-23. Review status: criteria provided, single submitter. Criteria: ACMG Guidelines, 2015. Collection method: clinical testing. Allele origin: germline.

GeneDx
Classification: Benign. Last evaluated: 2021-07-31. Review status: criteria provided, single submitter. Criteria: GeneDx Variant Classification Process June 2021. Collection method: clinical testing. Allele origin: germline. Affected: yes.